The following is an entry in ClinVar:

ClinVar aggregate classification (germline): Uncertain significance. Review status: criteria provided, multiple submitters, no conflicts (2 of 4 stars). 3 submissions from 3 submitters: Uncertain significance (3). Last evaluated 2025-09-22.

Conditions:
Fanconi anemia (FA). Also called: Fanconi's anemia. Identifiers: Orphanet 84, MedGen C0015625, MeSH D005199, MONDO:0019391.

Allele frequency attached by ClinVar (database versions not stated): gnomAD exomes below 0.00001 and 0.00001; TOPMed 0.00001; gnomAD 0.00002.

Submissions (3):

Labcorp Genetics (formerly Invitae), Labcorp
Classification: Uncertain significance for Fanconi anemia. Last evaluated: 2025-09-22. Review status: criteria provided, single submitter. Criteria: Invitae Variant Classification Sherloc (09022015). Collection method: clinical testing. Allele origin: germline.
Comment: This sequence change replaces serine, which is neutral and polar, with proline, which is neutral and non-polar, at codon 1716 of the FANCM protein (p.Ser1716Pro). This variant is present in population databases (no rsID available, gnomAD 0.01%). This variant has not been reported in the literature in individuals affected with FANCM-related conditions. ClinVar contains an entry for this variant (Variation ID: 1313684). An algorithm developed to predict the effect of missense changes on protein structure and function outputs the following: PolyPhen-2: "Benign". The proline amino acid residue is found in multiple mammalian species, which suggests that this missense change does not adversely affect protein function. In summary, the available evidence is currently insufficient to determine the role of this variant in disease. Therefore, it has been classified as a Variant of Uncertain Significance.

Quest Diagnostics Nichols Institute San Juan Capistrano
Classification: Uncertain significance. Last evaluated: 2024-07-10. Review status: criteria provided, single submitter. Criteria: Quest Diagnostics criteria. Collection method: clinical testing. Allele origin: unknown.
Comment: The FANCM c.5146T>C (p.Ser1716Pro) variant has been identified in the published literature in reportedly healthy individuals (PMID: 36707629 (2023), 33471991 (2021), see also LOVD). The frequency of this variant in the general population, 0.00012 (3/24950 chromosomes (Genome Aggregation Database)), is uninformative in the assessment of its pathogenicity. Analysis of this variant using bioinformatics tools for the prediction of the effect of amino acid changes on protein structure and function yielded predictions that this variant is benign. Based on the available information, we are unable to determine the clinical significance of this variant.

GeneDx
Classification: Uncertain significance. Last evaluated: 2020-11-18. Review status: criteria provided, single submitter. Criteria: GeneDx Variant Classification Process June 2021. Collection method: clinical testing. Allele origin: germline. Affected: yes.
Comment: Not observed at a significant frequency in large population cohorts (Lek 2016); In silico analysis supports that this missense variant does not alter protein structure/function; Has not been previously published as pathogenic or benign to our knowledge

Literature cited by the submitters: PubMed 33471991 (cited by Quest Diagnostics Nichols Institute San Juan Capistrano); PubMed 36707629 (cited by Quest Diagnostics Nichols Institute San Juan Capistrano).

NM_020937.4(FANCM):c.5146T>C (p.Ser1716Pro)

Gene: FANCM (FA complementation group M; plus strand). Cytogenetic location: 14q21.2.
Variant type: single nucleotide variant.
Coding change: c.5146T>C on transcript NM_020937.4 (MANE Select); coding-DNA position 5146, T replaced by C.
Protein change: p.Ser1716Pro; replaces serine 1716 with proline.
Molecular consequence: missense variant.
Genome position (GRCh38, 1-based): chr14:45,189,168, T>C. VCF-style: chr14-45189168-T-C. GRCh37 (hg19) VCF-style: chr14-45658371-T-C.
Other names: c.5068T>C, p.Ser1690Pro (NM_001308133.2); short protein forms S1690P, S1716P.
Identifiers: ClinVar variation 1313684 (VCV001313684.5), dbSNP rs1314294343, ClinGen allele CA389612646.
Genomic context (GRCh38, chr14:45,189,168, plus strand): 5'-AAGAAGAACAAACAACAGGACCATTGTTTAAATTCAGTGCCTTCTGGATCTTCTGCGCAG[T>C]CCAAGGTGCGTTCTACTCCAAGAGTTAATCCATTAGCAAAGCAGAGCAAACAGACATCGC-3'
Protein context (NP_065988.1, residues 1706-1726): NSVPSGSSAQ[Ser1716Pro]KVRSTPRVNP